The following is an entry in ClinVar:

NM_000540.3(RYR1):c.13473A>C (p.Pro4491=)

Gene: RYR1 (ryanodine receptor 1; plus strand). Cytogenetic location: 19q13.2.
Variant type: single nucleotide variant.
Coding change: c.13473A>C on transcript NM_000540.3 (MANE Select); coding-DNA position 13473, A replaced by C.
Protein change: p.Pro4491=; no amino-acid change (proline 4491 retained).
Molecular consequence: synonymous variant.
Genome position (GRCh38, 1-based): chr19:38,566,946, A>C. VCF-style: chr19-38566946-A-C. GRCh37 (hg19) VCF-style: chr19-39057586-A-C.
Other names: c.13458A>C, p.Pro4486= (NM_001042723.2).
Identifiers: ClinVar variation 544471 (VCV000544471.11), dbSNP rs770239842, ClinGen allele CA059884.

ClinVar aggregate classification (germline): Likely benign. Review status: criteria provided, multiple submitters, no conflicts (2 of 4 stars). 4 submissions from 4 submitters: Likely benign (4). Last evaluated 2025-10-14.

Conditions:
Malignant hyperthermia, susceptibility to, 1 (MHS1). Also called: RYR1-Related Malignant Hyperthermia Susceptibility; Malignant hyperthermia suceptibility 1; Anesthesia related hyperthermia; Malignant hyperpyrexia; Fulminating hyperpyrexia; Pharmacogenic myopathy. Identifiers: Orphanet 423, MedGen C2930980, MONDO:0007783, OMIM 145600.
RYR1-related disorder. Also called: RYR1-related condition; RYR1-related disorders. Identifiers: MedGen CN239331.

Allele frequency attached by ClinVar (database versions not stated): gnomAD exomes below 0.00001; TOPMed 0.00001; ExAC 0.00002.
gnomAD v4.1: 6 of 1,606,748 alleles (0.00037%); highest among the groups gnomAD compares: East Asian, 0.0022%; no homozygotes.

Submissions (4):

Labcorp Genetics (formerly Invitae), Labcorp
Classification: Likely benign for RYR1-related disorder. Last evaluated: 2025-10-14. Review status: criteria provided, single submitter. Criteria: Invitae Variant Classification Sherloc (09022015). Collection method: clinical testing. Allele origin: germline.

All of Us Research Program, National Institutes of Health
Classification: Likely benign for Malignant hyperthermia, susceptibility to, 1. Last evaluated: 2023-11-30. Review status: criteria provided, single submitter. Criteria: ACMG Guidelines, 2015. Collection method: clinical testing. Allele origin: germline. Inheritance: Autosomal dominant inheritance. Observed: 4 variant alleles, 4 heterozygotes.
Comment: This study involves interpretation of variants in research participants for the purpose of population health screening. Participant phenotype was not available at the time of variant classification. Additional details can be found in publication PMID: 35346344, PMCID: PMC8962531

Color Diagnostics, LLC DBA Color Health
Classification: Likely benign for Malignant hyperthermia, susceptibility to, 1. Last evaluated: 2022-11-06. Review status: criteria provided, single submitter. Criteria: ACMG Guidelines, 2015. Collection method: clinical testing. Allele origin: germline.

Blueprint Genetics
Classification: Likely benign. Last evaluated: 2021-03-15. Review status: criteria provided, single submitter. Criteria: ACMG Guidelines, 2015. Collection method: clinical testing. Allele origin: germline.